The following is an entry in ClinVar:

NM_020717.5(SHROOM4):c.1693C>T (p.Arg565Trp)

Gene: SHROOM4 (shroom family member 4; minus strand). Cytogenetic location: Xp11.22.
Variant type: single nucleotide variant.
Coding change: c.1693C>T on transcript NM_020717.5 (MANE Select); coding-DNA position 1693, C replaced by T.
Protein change: p.Arg565Trp; replaces arginine 565 with tryptophan.
Molecular consequence: missense variant. On other transcripts: non-coding transcript variant (4).
Genome position (GRCh38, 1-based): chrX:50,634,380, G>A on the plus strand (C>T on the coding strand, the complement: SHROOM4 is on the minus strand). VCF-style: chrX-50634380-G-A. GRCh37 (hg19) VCF-style: chrX-50377380-G-A.
Other names: short protein forms R565W.
Identifiers: ClinVar variation 2387905 (VCV002387905.3), dbSNP rs781829066, ClinGen allele CA10416217.
Genomic context (GRCh38, chrX:50,634,380, plus strand): 5'-TCTTCCGCCGGTTTTGGATCGAGCGGCCCCGGGTCCCTCCACTTCGCCTACCACCCATCC[G>A]GCTGCACTCCTTGGGCTCGCTGTCCCCTTCTTCACCTGCCTCTGTGCCACTAGCTGCTTT-3'
Protein context (NP_065768.2, residues 555-575): EGDSEPKECS[Arg565Trp]MGGRRSGGTR

ClinVar aggregate classification (germline): Uncertain significance. Review status: criteria provided, multiple submitters, no conflicts (2 of 4 stars). 2 submissions from 2 submitters: Uncertain significance (2). Last evaluated 2022-02-03.

Conditions:
Intellectual developmental disorder, X-linked, syndromic, Stocco dos Santos type. Also called: STOCCO DOS SANTOS X-LINKED MENTAL RETARDATION SYNDROME; Stocco dos Santos syndrome; X-linked intellectual disability, Stocco dos Santos type. Identifiers: Orphanet 85288, MedGen C1845530, MONDO:0010325, OMIM 300434.

Allele frequency attached by ClinVar (database versions not stated): gnomAD 0.00006; gnomAD exomes 0.00007; ExAC 0.00010; TOPMed 0.00010.
gnomAD v4.1: 91 of 1,208,895 alleles (0.0075%); highest among the groups gnomAD compares: African/African-American, 0.007%; no homozygotes.

Submissions (2):

Ambry Genetics
Classification: Uncertain significance. Last evaluated: 2022-02-03. Review status: criteria provided, single submitter. Criteria: Ambry Variant Classification Scheme 2023. Collection method: clinical testing. Allele origin: germline.

Daryl Scott Lab, Baylor College of Medicine
Classification: Uncertain significance for Intellectual developmental disorder, X-linked, syndromic, Stocco dos Santos type. Review status: criteria provided, single submitter. Criteria: ACMG Guidelines, 2015. Collection method: clinical testing. Allele origin: maternal. Affected: yes. Observed: 1 hemizygote.
Comment: BP4